The following is an entry in ClinVar:

ClinVar aggregate classification (germline): Pathogenic (1 of 4 stars; one submission).

Conditions:
Combined immunodeficiency with skin granulomas. Identifiers: Orphanet 157949, MedGen C2673536, MONDO:0009306, OMIM 233650.
Severe combined immunodeficiency, autosomal recessive, T cell-negative, B cell-negative, NK cell-positive. Also called: SCID, AR, T-cell negative, B-cell negative, NK cell-positive; SCID, T CELL-NEGATIVE, B CELL-NEGATIVE, NK CELL-POSITIVE; Severe combined immunodeficiency due to complete RAG1/2 deficiency. Identifiers: Orphanet 331206, MedGen C1832322, MONDO:0011086, OMIM 601457.

Submission:

Labcorp Genetics (formerly Invitae), Labcorp
Classification: Pathogenic for Combined immunodeficiency with skin granulomas; Severe combined immunodeficiency, autosomal recessive, T cell-negative, B cell-negative, NK cell-positive. Last evaluated: 2019-06-26. Review status: criteria provided, single submitter. Criteria: Invitae Variant Classification Sherloc (09022015). Collection method: clinical testing. Allele origin: germline.
Comment: This sequence change results in a premature translational stop signal in the RAG2 gene (p.Cys350*). While this is not anticipated to result in nonsense mediated decay, it is expected to disrupt the last 178 amino acids of the RAG2 protein. For these reasons, this variant has been classified as Pathogenic. This variant disrupts the C-terminus of the RAG2 protein. Other variant(s) that disrupt this region (p.Glu480*, p.Ile427Glyfs*12, p.His468Argfs*16, p.Arg523Glufs*49) have been determined to be pathogenic (PMID: 26915675, 26476733, 21624848, 24144642). This suggests that variants that disrupt this region of the protein are likely to be causative of disease. This variant has not been reported in the literature in individuals with RAG2-related conditions. This variant is not present in population databases (ExAC no frequency).

Literature cited by the submitters: PubMed 26915675; PubMed 26476733; PubMed 21624848; PubMed 24144642.

NM_000536.4(RAG2):c.1050_1060del (p.Cys350_Asp354delinsTer)

Gene: RAG2 (recombination activating 2; minus strand). Cytogenetic location: 11p12.
Variant type: Deletion.
Coding change: c.1050_1060del on transcript NM_000536.4 (MANE Select); coding-DNA positions 1050 to 1060, 11 bases deleted (TGCTGAAGATG).
Protein change: p.Cys350_Asp354delinsTer.
Molecular consequence: nonsense.
Genome position (GRCh38, 1-based): chr11:36,593,109-36,593,119, CATCTTCAGCA deleted on the plus strand (TGCTGAAGATG on the coding strand, the reverse complement: RAG2 is on the minus strand); deleting any 11 consecutive bases within chr11:36,593,109-36,593,122 gives the same sequence; the c. name uses the placement nearest the transcript's 3' end. VCF-style (leftmost placement, unchanged base first): chr11-36593108-TCATCTTCAGCA-T. GRCh37 (hg19) VCF-style: chr11-36614658-TCATCTTCAGCA-T.
Other names: c.1050_1060del, p.Cys350_Asp354delinsTer (NM_001243785.2, NM_001243786.2).
Identifiers: ClinVar variation 936911 (VCV000936911.9), dbSNP rs1851062418, ClinGen allele CA1139661897.